The following is an entry in ClinVar:

ClinVar aggregate classification (germline): Likely benign. Review status: criteria provided, single submitter (1 of 4 stars). 2 submissions from 2 submitters: Likely benign (1). 1 of the submissions does not count toward it. Last evaluated 2022-05-01.

Conditions:
LAS1L-related disorder. Also called: LAS1L-related condition.

Allele frequency attached by ClinVar (database versions not stated): TOPMed 0.00002.
gnomAD v4.1: 41 of 1,204,390 alleles (0.0034%); highest among the groups gnomAD compares: Non-Finnish European, 0.0044%; no homozygotes.

Submissions (2):

CeGaT Center for Human Genetics Tuebingen
Classification: Likely benign. Last evaluated: 2022-05-01. Review status: criteria provided, single submitter. Criteria: CeGaT Center For Human Genetics Tuebingen Variant Classification Criteria Version 2. Collection method: clinical testing. Allele origin: germline. Affected: yes. Observed: 1 variant allele.
Comment: LAS1L: BP4, BP7

PreventionGenetics, part of Exact Sciences
Classification: Likely benign for LAS1L-related condition. Last evaluated: 2019-09-25. Review status: no assertion criteria provided. Collection method: clinical testing. Allele origin: germline. Not counted in ClinVar's aggregate classification.
Comment: This variant is classified as likely benign based on ACMG/AMP sequence variant interpretation guidelines (Richards et al. 2015 PMID: 25741868, with internal and published modifications).

NM_031206.7(LAS1L):c.222G>T (p.Thr74=)

Gene: LAS1L (LAS1 like ribosome biogenesis factor; minus strand). Cytogenetic location: Xq12.
Variant type: single nucleotide variant.
Coding change: c.222G>T on transcript NM_031206.7 (MANE Select); coding-DNA position 222, G replaced by T.
Protein change: p.Thr74=; no amino-acid change (threonine 74 retained).
Molecular consequence: synonymous variant. On other transcripts: non-coding transcript variant (1), 5 prime UTR variant (1).
Genome position (GRCh38, 1-based): chrX:65,534,494, C>A on the plus strand (G>T on the coding strand, the complement: LAS1L is on the minus strand). VCF-style: chrX-65534494-C-A. GRCh37 (hg19) VCF-style: chrX-64754374-C-A.
Other names: c.222G>T, p.Thr74= (NM_001410733.1, NM_001170649.2, NM_001170650.2 and 9 more transcripts); c.-575G>T (NM_001375332.1); c.222G>T (NM_031206.4).
Identifiers: ClinVar variation 2660760 (VCV002660760.25), dbSNP rs369263577, ClinGen allele CA10434125.